The following is an entry in ClinVar:

NM_207361.6(FREM2):c.5500A>G (p.Arg1834Gly)

Gene: FREM2 (FRAS1 related extracellular matrix 2; plus strand). Cytogenetic location: 13q13.3.
Variant type: single nucleotide variant.
Coding change: c.5500A>G on transcript NM_207361.6 (MANE Select); coding-DNA position 5500, A replaced by G.
Protein change: p.Arg1834Gly; replaces arginine 1834 with glycine.
Molecular consequence: missense variant.
Genome position (GRCh38, 1-based): chr13:38,769,667, A>G. VCF-style: chr13-38769667-A-G. GRCh37 (hg19) VCF-style: chr13-39343804-A-G.
Other names: short protein forms R1834G.
Identifiers: ClinVar variation 1302233 (VCV001302233.2), dbSNP rs1162992431, ClinGen allele CA387887012.

ClinVar aggregate classification (germline): Uncertain significance (1 of 4 stars; one submission).

Allele frequency attached by ClinVar (database versions not stated): TOPMed below 0.00001; gnomAD 0.00001.

Submission:

GeneDx
Classification: Uncertain significance. Last evaluated: 2019-06-24. Review status: criteria provided, single submitter. Criteria: GeneDx Variant Classification Process June 2021. Collection method: clinical testing. Allele origin: germline. Affected: yes.
Comment: Not observed in large population cohorts (Lek et al., 2016); In silico analysis, which includes protein predictors and evolutionary conservation, supports that this variant does not alter protein structure/function; Has not been previously published as pathogenic or benign to our knowledge